The following is an entry in ClinVar:

NM_198506.5(LRIT3):c.1843C>A (p.Pro615Thr)

Gene: LRIT3 (leucine rich repeat, Ig-like and transmembrane domains 3; plus strand). Cytogenetic location: 4q25.
Variant type: single nucleotide variant.
Coding change: c.1843C>A on transcript NM_198506.5 (MANE Select); coding-DNA position 1843, C replaced by A.
Protein change: p.Pro615Thr; replaces proline 615 with threonine.
Molecular consequence: missense variant.
Genome position (GRCh38, 1-based): chr4:109,870,592, C>A. VCF-style: chr4-109870592-C-A. GRCh37 (hg19) VCF-style: chr4-110791748-C-A.
Other names: short protein forms P615T.
Identifiers: ClinVar variation 1521288 (VCV001521288.5), dbSNP rs760824350, ClinGen allele CA3043268.

ClinVar aggregate classification (germline): Uncertain significance (1 of 4 stars; one submission).

Allele frequency attached by ClinVar (database versions not stated): TOPMed below 0.00001; ExAC 0.00001; gnomAD exomes 0.00002.
gnomAD v4.1: 14 of 1,613,678 alleles (0.00087%); highest among the groups gnomAD compares: South Asian, 0.014%; no homozygotes.

Submission:

Labcorp Genetics (formerly Invitae), Labcorp
Classification: Uncertain significance. Last evaluated: 2021-08-14. Review status: criteria provided, single submitter. Criteria: Invitae Variant Classification Sherloc (09022015). Collection method: clinical testing. Allele origin: germline.
Comment: This sequence change replaces proline with threonine at codon 615 of the LRIT3 protein (p.Pro615Thr). The proline residue is weakly conserved and there is a small physicochemical difference between proline and threonine. This variant is present in population databases (rs760824350, ExAC 0.006%). This variant has not been reported in the literature in individuals affected with LRIT3-related conditions. Algorithms developed to predict the effect of missense changes on protein structure and function (SIFT, PolyPhen-2, Align-GVGD) all suggest that this variant is likely to be tolerated. In summary, the available evidence is currently insufficient to determine the role of this variant in disease. Therefore, it has been classified as a Variant of Uncertain Significance.